The following is an entry in ClinVar:

ClinVar aggregate classification (germline): Uncertain significance. Review status: criteria provided, multiple submitters, no conflicts (2 of 4 stars). 2 submissions from 2 submitters: Uncertain significance (2). Last evaluated 2025-03-10.

Conditions:
Hereditary nonpolyposis colorectal neoplasms. Identifiers: MedGen C0009405, MeSH D003123.
Hereditary cancer-predisposing syndrome. Also called: Hereditary neoplastic syndrome; Hereditary Cancer Syndrome; Neoplastic Syndromes, Hereditary; Tumor predisposition. Identifiers: Orphanet 140162, MedGen C0027672, MeSH D009386, MONDO:0015356.

Submissions (2):

Color Diagnostics, LLC DBA Color Health
Classification: Uncertain significance for Hereditary cancer-predisposing syndrome. Last evaluated: 2025-03-10. Review status: criteria provided, single submitter. Criteria: ACMG Guidelines, 2015. Collection method: clinical testing. Allele origin: germline.
Comment: This missense variant replaces glycine with valine at codon 750 of the PMS2 protein. Computational prediction suggests that this variant may have deleterious impact on protein structure and function. To our knowledge, functional studies have not been reported for this variant. This variant has not been reported in individuals affected with PMS2-related disorders in the literature. Another variant at this amino acid position (p.Gly750Asp) has been determined to be disease causing (ClinVar Variation ID: 91334). This variant has been identified in 2/249726 chromosomes in the general population by the Genome Aggregation Database (gnomAD). The available evidence is insufficient to determine the role of this variant in disease conclusively. Therefore, this variant is classified as a Variant of Uncertain Significance.

Labcorp Genetics (formerly Invitae), Labcorp
Classification: Uncertain significance for Hereditary nonpolyposis colorectal neoplasms. Last evaluated: 2024-04-02. Review status: criteria provided, single submitter. Criteria: Invitae Variant Classification Sherloc (09022015). Collection method: clinical testing. Allele origin: germline.
Comment: This sequence change replaces glycine, which is neutral and non-polar, with valine, which is neutral and non-polar, at codon 750 of the PMS2 protein (p.Gly750Val). The frequency data for this variant in the population databases (gnomAD) is considered unreliable due to the presence of homologous sequence, such as pseudogenes or paralogs, in the genome. This variant has not been reported in the literature in individuals affected with PMS2-related conditions. Advanced modeling of protein sequence and biophysical properties (such as structural, functional, and spatial information, amino acid conservation, physicochemical variation, residue mobility, and thermodynamic stability) performed at Invitae indicates that this missense variant is expected to disrupt PMS2 protein function with a positive predictive value of 80%. This variant disrupts the p.Gly750 amino acid residue in PMS2. Other variant(s) that disrupt this residue have been determined to be pathogenic (PMID: 18602922, 26318770, 30608896). This suggests that this residue is clinically significant, and that variants that disrupt this residue are likely to be disease-causing. In summary, the available evidence is currently insufficient to determine the role of this variant in disease. Therefore, it has been classified as a Variant of Uncertain Significance.

Literature cited by the submitters: PubMed 18602922 (cited by Labcorp Genetics (formerly Invitae), Labcorp); PubMed 26318770 (cited by Labcorp Genetics (formerly Invitae), Labcorp); PubMed 30608896 (cited by Labcorp Genetics (formerly Invitae), Labcorp).

NM_000535.7(PMS2):c.2249G>T (p.Gly750Val)

Gene: PMS2 (PMS1 homolog 2, mismatch repair system component; minus strand). Cytogenetic location: 7p22.1.
Variant type: single nucleotide variant.
Coding change: c.2249G>T on transcript NM_000535.7 (MANE Select); coding-DNA position 2249, G replaced by T.
Protein change: p.Gly750Val; replaces glycine 750 with valine.
Molecular consequence: missense variant. On other transcripts: non-coding transcript variant (1), intron variant (2).
Genome position (GRCh38, 1-based): chr7:5,978,622, C>A on the plus strand (G>T on the coding strand, the complement: PMS2 is on the minus strand). VCF-style: chr7-5978622-C-A. GRCh37 (hg19) VCF-style: chr7-6018253-C-A.
Other names: c.1940G>T, p.Gly647Val (NM_001406881.1, NM_001406882.1, NM_001322015.2 and 5 more transcripts); c.1931G>T, p.Gly644Val (NM_001406883.1, NM_001322007.2, NM_001322008.2 and 1 more transcripts); c.1925G>T, p.Gly642Val (NM_001406884.1); c.1913G>T, p.Gly638Val (NM_001406885.1); c.1883G>T, p.Gly628Val (NM_001406886.1); c.1844G>T, p.Gly615Val (NM_001406887.1, NM_001406888.1, NM_001406889.1 and 15 more transcripts); c.1784G>T, p.Gly595Val (NM_001406900.1); c.1775G>T, p.Gly592Val (NM_001406901.1, NM_001406902.1); and 16 more; short protein forms G563V, G595V, G615V, G647V, G684V, G714V, G439V, G493V.
Identifiers: ClinVar variation 2770375 (VCV002770375.4), dbSNP rs587779337, ClinGen allele CA366736561.